The following is an entry in ClinVar:

NM_000051.4(ATM):c.4927A>T (p.Ile1643Phe)

Gene: ATM (ATM serine/threonine kinase; plus strand). Cytogenetic location: 11q22.3.
Variant type: single nucleotide variant.
Coding change: c.4927A>T on transcript NM_000051.4 (MANE Select); coding-DNA position 4927, A replaced by T.
Protein change: p.Ile1643Phe; replaces isoleucine 1643 with phenylalanine.
Molecular consequence: missense variant.
Genome position (GRCh38, 1-based): chr11:108,297,304, A>T. VCF-style: chr11-108297304-A-T. GRCh37 (hg19) VCF-style: chr11-108168031-A-T.
Other names: c.4927A>T, p.Ile1643Phe (NM_001351834.2); short protein forms I1643F.
Identifiers: ClinVar variation 2418847 (VCV002418847.6), dbSNP rs2546954308, ClinGen allele CA382538094.

ClinVar aggregate classification (germline): Uncertain significance. Review status: criteria provided, multiple submitters, no conflicts (2 of 4 stars). 3 submissions from 3 submitters: Uncertain significance (2). 1 of the submissions does not count toward it. Last evaluated 2023-07-12.

Conditions:
Hereditary cancer-predisposing syndrome. Also called: Hereditary neoplastic syndrome; Tumor predisposition; Neoplastic Syndromes, Hereditary; Hereditary Cancer Syndrome. Identifiers: Orphanet 140162, MedGen C0027672, MeSH D009386, MONDO:0015356.
Ataxia-telangiectasia syndrome (AT). Also called: Cerebello-oculocutaneous telangiectasia; Immunodeficiency with ataxia telangiectasia; Ataxia-telangiectasia; AT, COMPLEMENTATION GROUP C; Ataxia telangiectasia (A-T); LOUIS-BAR SYNDROME. Identifiers: Orphanet 100, MedGen C0004135, MONDO:0008840, OMIM 208900.

Submissions (3):

Ambry Genetics
Classification: Uncertain significance for Hereditary cancer-predisposing syndrome. Last evaluated: 2023-07-12. Review status: criteria provided, single submitter. Criteria: Ambry Variant Classification Scheme 2023. Collection method: clinical testing. Allele origin: germline.
Comment: The p.I1643F variant (also known as c.4927A>T), located in coding exon 32 of the ATM gene, results from an A to T substitution at nucleotide position 4927. The isoleucine at codon 1643 is replaced by phenylalanine, an amino acid with highly similar properties. This amino acid position is conserved. In addition, this alteration is predicted to be tolerated by in silico analysis. Since supporting evidence is limited at this time, the clinical significance of this alteration remains unclear.

Labcorp Genetics (formerly Invitae), Labcorp
Classification: Uncertain significance for Ataxia-telangiectasia syndrome. Last evaluated: 2022-01-20. Review status: criteria provided, single submitter. Criteria: Invitae Variant Classification Sherloc (09022015). Collection method: clinical testing. Allele origin: germline.
Comment: This sequence change replaces isoleucine, which is neutral and non-polar, with phenylalanine, which is neutral and non-polar, at codon 1643 of the ATM protein (p.Ile1643Phe). This variant is not present in population databases (gnomAD no frequency). This variant has not been reported in the literature in individuals affected with ATM-related conditions. Advanced modeling of protein sequence and biophysical properties (such as structural, functional, and spatial information, amino acid conservation, physicochemical variation, residue mobility, and thermodynamic stability) performed at Invitae indicates that this missense variant is not expected to disrupt ATM protein function. In summary, the available evidence is currently insufficient to determine the role of this variant in disease. Therefore, it has been classified as a Variant of Uncertain Significance.

Natera, Inc.
Classification: Uncertain significance for Ataxia-telangiectasia. Last evaluated: 2025-04-29. Review status: no assertion criteria provided. Collection method: clinical testing. Allele origin: germline. Not counted in ClinVar's aggregate classification.